The following is an entry in ClinVar:

NM_004972.4(JAK2):c.831T>G (p.Ser277Arg)

Genes: INSL6 (insulin like 6; minus strand), JAK2 (Janus kinase 2; plus strand). Cytogenetic location: 9p24.1.
Variant type: single nucleotide variant.
Coding change: c.831T>G on transcript NM_004972.4 (MANE Select); coding-DNA position 831, T replaced by G.
Protein change: p.Ser277Arg; replaces serine 277 with arginine.
Molecular consequence: missense variant. On other transcripts: 5 prime UTR variant (2), non-coding transcript variant (2).
Genome position (GRCh38, 1-based): chr9:5,054,779, T>G. VCF-style: chr9-5054779-T-G. GRCh37 (hg19) VCF-style: chr9-5054779-T-G.
Other names: c.831T>G, p.Ser277Arg (NM_001322194.2, NM_001322195.2, NM_001322196.2); c.-290T>G (NM_001322198.2, NM_001322199.2); c.384T>G, p.Ser128Arg (NM_001322204.2); short protein forms S128R, S277R.
Identifiers: ClinVar variation 3023669 (VCV003023669.3), dbSNP rs1269895569, ClinGen allele CA372820490.

ClinVar aggregate classification (germline): Uncertain significance (1 of 4 stars; one submission).

Allele frequency attached by ClinVar (database versions not stated): gnomAD exomes below 0.00001; gnomAD 0.00001; TOPMed 0.00001.
gnomAD v4.1: 3 of 1,612,502 alleles (0.00019%); highest among the groups gnomAD compares: Non-Finnish European, 0.00025%; no homozygotes.

Submission:

Labcorp Genetics (formerly Invitae), Labcorp
Classification: Uncertain significance. Last evaluated: 2022-11-23. Review status: criteria provided, single submitter. Criteria: Invitae Variant Classification Sherloc (09022015). Collection method: clinical testing. Allele origin: germline.
Comment: In summary, the available evidence is currently insufficient to determine the role of this variant in disease. Therefore, it has been classified as a Variant of Uncertain Significance. Advanced modeling of protein sequence and biophysical properties (such as structural, functional, and spatial information, amino acid conservation, physicochemical variation, residue mobility, and thermodynamic stability) performed at Invitae indicates that this missense variant is not expected to disrupt JAK2 protein function. This variant has not been reported in the literature in individuals affected with JAK2-related conditions. This variant is present in population databases (no rsID available, gnomAD 0.0009%). This sequence change replaces serine, which is neutral and polar, with arginine, which is basic and polar, at codon 277 of the JAK2 protein (p.Ser277Arg).